The following is an entry in ClinVar:

ClinVar aggregate classification (germline): Conflicting classifications of pathogenicity. Review status: criteria provided, conflicting classifications (1 of 4 stars). 2 submissions from 2 submitters: Uncertain significance (1); Likely benign (1). Last evaluated 2023-12-05.

Conditions:
Cardiomyopathy (CMYO). Also called: Cardiomyopathies. Identifiers: Orphanet 167848, MedGen C0878544, MONDO:0004994, HP:0001638. Inheritance: Various modes of inheritance.

Allele frequency attached by ClinVar (database versions not stated): gnomAD exomes below 0.00001.
gnomAD v4.1: 1 of 1,614,136 alleles (0.000062%); highest among the groups gnomAD compares: Non-Finnish European, 0.000085%; no homozygotes.

Submissions (2):

Color Diagnostics, LLC DBA Color Health
Classification: Uncertain significance for Cardiomyopathy. Last evaluated: 2023-12-05. Review status: criteria provided, single submitter. Criteria: ACMG Guidelines, 2015. Collection method: clinical testing. Allele origin: germline.
Comment: This missense variant replaces isoleucine with leucine at codon 719 of the DSP protein. Computational prediction tools and conservation analyses suggest that this variant may not impact the protein function. Computational splicing tools suggest that this variant may not impact RNA splicing. To our knowledge, functional assays have not been performed for this variant nor has this variant been reported in individuals affected with cardiovascular disorders in the literature. This variant has not been identified in the general population by the Genome Aggregation Database (gnomAD). Available evidence is insufficient to determine the role of this variant in disease conclusively. Therefore, this variant is classified as a Variant of Uncertain Significance.

GeneDx
Classification: Likely benign. Last evaluated: 2015-04-29. Review status: criteria provided, single submitter. Criteria: GeneDx Variant Classification (06012015). Collection method: clinical testing. Allele origin: germline. Affected: yes.
Comment: This variant is considered likely benign or benign based on one or more of the following criteria: it is a conservative change, it occurs at a poorly conserved position in the protein, it is predicted to be benign by multiple in silico algorithms, and/or has population frequency not consistent with disease.

NM_004415.4(DSP):c.2155A>C (p.Ile719Leu)

Gene: DSP (desmoplakin; plus strand). Cytogenetic location: 6p24.3.
Variant type: single nucleotide variant.
Coding change: c.2155A>C on transcript NM_004415.4 (MANE Select); coding-DNA position 2155, A replaced by C.
Protein change: p.Ile719Leu; replaces isoleucine 719 with leucine.
Molecular consequence: missense variant.
Genome position (GRCh38, 1-based): chr6:7,574,110, A>C. VCF-style: chr6-7574110-A-C. GRCh37 (hg19) VCF-style: chr6-7574343-A-C.
Other names: c.2155A>C (LRG_423t1); c.2155A>C, p.Ile719Leu (NM_001008844.3, NM_001319034.2); short protein forms I719L.
Identifiers: ClinVar variation 379582 (VCV000379582.6), dbSNP rs1057520654, ClinGen allele CA16605139.